The following is an entry in ClinVar:

NM_005629.4(SLC6A8):c.262+1G>T

Gene: SLC6A8 (solute carrier family 6 member 8; plus strand). Cytogenetic location: Xq28.
Variant type: single nucleotide variant.
Coding change: c.262+1G>T on transcript NM_005629.4 (MANE Select); the canonical splice donor site of the intron after coding-DNA position 262, G replaced by T.
Molecular consequence: splice donor variant.
Genome position (GRCh38, 1-based): chrX:153,688,837, G>T. VCF-style: chrX-153688837-G-T. GRCh37 (hg19) VCF-style: chrX-152954292-G-T.
Other names: NM_001142805.2:c.262+1G>T; c.262+1G>T (NM_001142805.2).
Identifiers: ClinVar variation 3066445 (VCV003066445.2), dbSNP rs2522146020, ClinGen allele CA415077156.
Genomic context (GRCh38, chrX:153,688,837, plus strand): 5'-TCGCCGTGGGCTTGGGCAACGTGTGGCGCTTCCCCTACCTGTGCTACAAGAACGGCGGAG[G>T]TGAGTTCCCCCGCCCGCCGCGGCCTCCTCCCCCAGCAGGCCGCCGGCCCCCGCCCGACCC-3'

ClinVar aggregate classification (germline): Pathogenic. Review status: reviewed by expert panel (3 of 4 stars). 2 submissions from 2 submitters: Pathogenic (1). 1 of the submissions does not count toward it. Last evaluated 2024-03-29.

Conditions:
Creatine transporter deficiency (CCDS1). Also called: Mental retardation , X-linked with seizures, short stature and midface hypoplasia; Mental retardation , X-linked, with creatine transport deficiency; X-linked creatine transporter deficiency; X-linked creatine deficiency syndrome; SLC6A8-Related Creatine Transporter Deficiency; CREATINE TRANSPORTER DEFECT. Identifiers: Orphanet 52503, MedGen C1845862, MONDO:0010305, OMIM 300352.

Submissions (2):

ClinGen Cerebral Creatine Deficiency Syndromes Variant Curation Expert Panel, ClinGen
Classification: Pathogenic for Creatine transporter deficiency. Last evaluated: 2024-03-29. Review status: reviewed by expert panel. Criteria: ClinGen_CCDS_ACMG_Specifications_SLC6A8_v1.1. Collection method: curation. Allele origin: germline. Inheritance: X-linked inheritance.
Comment: The NM_005629.4:c.262+1G>T variant occurs within the canonical splice donor of intron 1/12 (exon 1/13) of SLC6A8. It is predicted to cause skipping of biologically-relevant-exon 1/13, resulting in a frameshift leading to nonsense mediated decay in a gene in which loss-of-function is an established disease mechanism (PVS1). This variant is absent from gnomAD v2.1.1, therefore PM2_Supporting criteria is applicable. In silico algorithm SpliceAI predicts a donor loss -1bp from this position (delta score=0.99). This variant has not been previously reported in ClinVar. This individual had a urine creatine to creatinine ratio of 14,874 (normal = 6–1200 μmol/mmol creatinine) and a H-MRS showing reduced creatine peak [PMID: 29435807], therefore this reported individual meets criteria for PP4_Strong. In summary, this variant meets the criteria to be classified as Pathogenic for Creatine Transporter Deficiency based on the ACMG/AMP criteria applied, as specified by the ClinGen Cerebral Creatine Deficiency Syndromes Variant Curation Expert Panel (Specifications Version 1.0): PVS1, PP4_Strong, PM2_Supporting. (Classification approved by the ClinGen Cerebral Creatine Deficiency Syndromes Variant Curation Expert Panel on March 29, 2024)

GeneDx
Classification: Pathogenic. Last evaluated: 2025-05-28. Review status: criteria provided, single submitter. Criteria: GeneDx Variant Classification Process June 2021. Collection method: clinical testing. Allele origin: germline. Affected: yes. Not counted in ClinVar's aggregate classification.
Comment: Canonical splice site variant predicted to result in a null allele in a gene for which loss of function is a known mechanism of disease; Not observed at significant frequency in large population cohorts (gnomAD); This variant is associated with the following publications: (PMID: 29435807)